The following is an entry in ClinVar:

NM_001267550.2(TTN):c.56675C>G (p.Thr18892Arg)

Genes: TTN (titin; minus strand), TTN-AS1 (TTN antisense RNA 1; plus strand). Cytogenetic location: 2q31.2.
Variant type: single nucleotide variant.
Coding change: c.56675C>G on transcript NM_001267550.2 (MANE Select); coding-DNA position 56675, C replaced by G.
Protein change: p.Thr18892Arg; replaces threonine 18892 with arginine.
Molecular consequence: missense variant.
Genome position (GRCh38, 1-based): chr2:178,599,035, G>C on the plus strand (C>G on the coding strand, the complement: TTN is on the minus strand). VCF-style: chr2-178599035-G-C. GRCh37 (hg19) VCF-style: chr2-179463762-G-C.
Other names: c.51752C>G, p.Thr17251Arg (NM_001256850.1); c.29480C>G, p.Thr9827Arg (NM_003319.4); c.48971C>G, p.Thr16324Arg (NM_133378.4); c.29855C>G, p.Thr9952Arg (NM_133432.3); c.30056C>G, p.Thr10019Arg (NM_133437.4); short protein forms T10019R, T16324R, T17251R, T18892R, T9827R, T9952R.
Identifiers: ClinVar variation 4077291 (VCV004077291.1).

ClinVar aggregate classification (germline): Uncertain significance (1 of 4 stars; one submission).

gnomAD v4.1: 8 of 1,581,494 alleles (0.00051%); highest among the groups gnomAD compares: Non-Finnish European, 0.00069%; no homozygotes.

Submission:

GeneDx
Classification: Uncertain significance. Last evaluated: 2025-02-26. Review status: criteria provided, single submitter. Criteria: GeneDx Variant Classification Process June 2021. Collection method: clinical testing. Allele origin: germline. Affected: yes.
Comment: Not observed at significant frequency in large population cohorts (gnomAD); Missense variant in a gene in which most reported pathogenic variants are truncating/loss of function; Has not been previously published as pathogenic or benign to our knowledge